The following is an entry in ClinVar:

ClinVar aggregate classification (germline): Uncertain significance (1 of 4 stars; one submission).

Allele frequency attached by ClinVar (database versions not stated): gnomAD 0.00001; gnomAD exomes 0.00001; ExAC 0.00018.
gnomAD v4.1: 8 of 1,316,306 alleles (0.00061%); highest among the groups gnomAD compares: South Asian, 0.015%; no homozygotes.

Submission:

Labcorp Genetics (formerly Invitae), Labcorp
Classification: Uncertain significance. Last evaluated: 2023-08-04. Review status: criteria provided, single submitter. Criteria: Invitae Variant Classification Sherloc (09022015). Collection method: clinical testing. Allele origin: germline.
Comment: In summary, the available evidence is currently insufficient to determine the role of this variant in disease. Therefore, it has been classified as a Variant of Uncertain Significance. Advanced modeling of protein sequence and biophysical properties (such as structural, functional, and spatial information, amino acid conservation, physicochemical variation, residue mobility, and thermodynamic stability) has been performed at Invitae for this missense variant, however the output from this modeling did not meet the statistical confidence thresholds required to predict the impact of this variant on KMT2A protein function. This variant has not been reported in the literature in individuals affected with KMT2A-related conditions. This variant is present in population databases (rs782699755, gnomAD 0.01%). This sequence change replaces alanine, which is neutral and non-polar, with threonine, which is neutral and polar, at codon 62 of the KMT2A protein (p.Ala62Thr).

NM_001197104.2(KMT2A):c.184G>A (p.Ala62Thr)

Gene: KMT2A (lysine methyltransferase 2A; plus strand). Cytogenetic location: 11q23.3.
Variant type: single nucleotide variant.
Coding change: c.184G>A on transcript NM_001197104.2 (MANE Select); coding-DNA position 184, G replaced by A.
Protein change: p.Ala62Thr; replaces alanine 62 with threonine.
Molecular consequence: missense variant.
Genome position (GRCh38, 1-based): chr11:118,436,696, G>A. VCF-style: chr11-118436696-G-A. GRCh37 (hg19) VCF-style: chr11-118307411-G-A.
Other names: c.184G>A, p.Ala62Thr (NM_001412597.1, NM_005933.4); short protein forms A62T.
Identifiers: ClinVar variation 2868253 (VCV002868253.1), dbSNP rs782699755, ClinGen allele CA6303195.